The following is an entry in ClinVar:

ClinVar aggregate classification (germline): Uncertain significance (1 of 4 stars; one submission).

gnomAD v4.1: 10 of 1,599,428 alleles (0.00063%); highest among the groups gnomAD compares: Admixed American, 0.0033%; no homozygotes.

Submission:

Labcorp Genetics (formerly Invitae), Labcorp
Classification: Uncertain significance. Last evaluated: 2025-08-29. Review status: criteria provided, single submitter. Criteria: Invitae Variant Classification Sherloc (09022015). Collection method: clinical testing. Allele origin: germline.
Comment: This variant occurs in a non-coding region of the ANKRD26 gene. It does not change the encoded amino acid sequence of the ANKRD26 protein. This variant is present in population databases (no rsID available, gnomAD 0.003%). This variant has not been reported in the literature in individuals affected with ANKRD26-related conditions. ClinVar contains an entry for this variant (Variation ID: 2879247). In summary, the available evidence is currently insufficient to determine the role of this variant in disease. Therefore, it has been classified as a Variant of Uncertain Significance.

NM_014915.3(ANKRD26):c.-51T>G

Gene: ANKRD26 (ankyrin repeat domain 26; minus strand). Cytogenetic location: 10p12.1.
Variant type: single nucleotide variant.
Coding change: c.-51T>G on transcript NM_014915.3 (MANE Select); 51 bases upstream of the start codon, T replaced by G.
Molecular consequence: 5 prime UTR variant.
Genome position (GRCh38, 1-based): chr10:27,100,377, A>C on the plus strand (T>G on the coding strand, the complement: ANKRD26 is on the minus strand). VCF-style: chr10-27100377-A-C. GRCh37 (hg19) VCF-style: chr10-27389306-A-C.
Other names: c.-51T>G (NM_001256053.2).
Identifiers: ClinVar variation 2879247 (VCV002879247.3), dbSNP rs762195334, ClinGen allele CA592780399.